The following is an entry in ClinVar:

NM_004655.4(AXIN2):c.2027C>G (p.Ala676Gly)

Gene: AXIN2 (axin 2; minus strand). Cytogenetic location: 17q24.1.
Variant type: single nucleotide variant.
Coding change: c.2027C>G on transcript NM_004655.4 (MANE Select); coding-DNA position 2027, C replaced by G.
Protein change: p.Ala676Gly; replaces alanine 676 with glycine.
Molecular consequence: missense variant.
Genome position (GRCh38, 1-based): chr17:65,536,434, G>C on the plus strand (C>G on the coding strand, the complement: AXIN2 is on the minus strand). VCF-style: chr17-65536434-G-C. GRCh37 (hg19) VCF-style: chr17-63532552-G-C.
Other names: c.1832C>G, p.Ala611Gly (NM_001363813.1); short protein forms A611G, A676G.
Identifiers: ClinVar variation 2201217 (VCV002201217.4), dbSNP rs1030272364, ClinGen allele CA400676134.
Genomic context (GRCh38, chr17:65,536,434, plus strand): 5'-TGAGCCAGCGTGTTGGGTGGGGTCAGGGGAGGCATCGCAGGGTCCTGGGTGAACAGGTGG[G>C]CACGGGGGGTGGTGCGGGGGTGCCCGCTGTTGCCCCCCCACAGATGGTGCCGGCTGGCTC-3'
Protein context (NP_004646.3, residues 666-686): NSGHPRTTPR[Ala676Gly]HLFTQDPAMP

ClinVar aggregate classification (germline): Uncertain significance (1 of 4 stars; one submission).

Conditions:
Oligodontia-cancer predisposition syndrome. Also called: TOOTH AGENESIS-COLORECTAL CANCER SYNDROME. Identifiers: Orphanet 300576, MedGen C1837750, MONDO:0012075, OMIM 608615. Disease mechanism: loss of function.

gnomAD v4.1: 1 of 1,613,456 alleles (0.000062%); highest among the groups gnomAD compares: Non-Finnish European, 0.000085%; no homozygotes.

Submission:

Labcorp Genetics (formerly Invitae), Labcorp
Classification: Uncertain significance for Oligodontia-cancer predisposition syndrome. Last evaluated: 2022-07-11. Review status: criteria provided, single submitter. Criteria: Invitae Variant Classification Sherloc (09022015). Collection method: clinical testing. Allele origin: germline.
Comment: In summary, the available evidence is currently insufficient to determine the role of this variant in disease. Therefore, it has been classified as a Variant of Uncertain Significance. Algorithms developed to predict the effect of missense changes on protein structure and function (SIFT, PolyPhen-2, Align-GVGD) all suggest that this variant is likely to be tolerated. This variant has not been reported in the literature in individuals affected with AXIN2-related conditions. This variant is not present in population databases (gnomAD no frequency). This sequence change replaces alanine, which is neutral and non-polar, with glycine, which is neutral and non-polar, at codon 676 of the AXIN2 protein (p.Ala676Gly).